The following is an entry in ClinVar:

NM_005188.4(CBL):c.2465G>T (p.Arg822Met)

Gene: CBL (Cbl proto-oncogene; plus strand). Cytogenetic location: 11q23.3.
Variant type: single nucleotide variant.
Coding change: c.2465G>T on transcript NM_005188.4 (MANE Select); coding-DNA position 2465, G replaced by T.
Protein change: p.Arg822Met; replaces arginine 822 with methionine.
Molecular consequence: missense variant.
Genome position (GRCh38, 1-based): chr11:119,299,525, G>T. VCF-style: chr11-119299525-G-T. GRCh37 (hg19) VCF-style: chr11-119170235-G-T.
Other names: short protein forms R822M.
Identifiers: ClinVar variation 3718512 (VCV003718512.2).

ClinVar aggregate classification (germline): Uncertain significance (1 of 4 stars; one submission).

Conditions:
RASopathy. Also called: rasopathies; Noonan spectrum disorder. Identifiers: Orphanet 536391, MedGen C5555857, MONDO:0021060.

gnomAD v4.1: 1 of 1,614,122 alleles (0.000062%); highest among the groups gnomAD compares: Admixed American, 0.0017%; no homozygotes.

Submission:

Labcorp Genetics (formerly Invitae), Labcorp
Classification: Uncertain significance for RASopathy. Last evaluated: 2024-12-02. Review status: criteria provided, single submitter. Criteria: Invitae Variant Classification Sherloc (09022015). Collection method: clinical testing. Allele origin: germline.
Comment: This sequence change replaces arginine, which is basic and polar, with methionine, which is neutral and non-polar, at codon 822 of the CBL protein (p.Arg822Met). This variant is not present in population databases (gnomAD no frequency). This variant has not been reported in the literature in individuals affected with CBL-related conditions. Invitae Evidence Modeling of protein sequence and biophysical properties (such as structural, functional, and spatial information, amino acid conservation, physicochemical variation, residue mobility, and thermodynamic stability) has been performed for this missense variant. However, the output from this modeling did not meet the statistical confidence thresholds required to predict the impact of this variant on CBL protein function. In summary, the available evidence is currently insufficient to determine the role of this variant in disease. Therefore, it has been classified as a Variant of Uncertain Significance.